The following is an entry in ClinVar:

ClinVar aggregate classification (germline): Uncertain significance (1 of 4 stars; one submission).

Allele frequency attached by ClinVar (database versions not stated): gnomAD 0.00001; gnomAD exomes 0.00001; TOPMed 0.00001; ExAC 0.00002.
gnomAD v4.1: 16 of 1,614,056 alleles (0.00099%); highest among the groups gnomAD compares: Admixed American, 0.005%; no homozygotes.

Submission:

Labcorp Genetics (formerly Invitae), Labcorp
Classification: Uncertain significance. Last evaluated: 2022-03-29. Review status: criteria provided, single submitter. Criteria: Invitae Variant Classification Sherloc (09022015). Collection method: clinical testing. Allele origin: germline.
Comment: This sequence change replaces threonine, which is neutral and polar, with methionine, which is neutral and non-polar, at codon 801 of the ARHGEF10 protein (p.Thr801Met). This variant is present in population databases (rs763605562, gnomAD 0.009%). This variant has not been reported in the literature in individuals affected with ARHGEF10-related conditions. Algorithms developed to predict the effect of missense changes on protein structure and function are either unavailable or do not agree on the potential impact of this missense change (SIFT: "Deleterious"; PolyPhen-2: "Probably Damaging"; Align-GVGD: "Class C15"). In summary, the available evidence is currently insufficient to determine the role of this variant in disease. Therefore, it has been classified as a Variant of Uncertain Significance.

NM_014629.4(ARHGEF10):c.2402C>T (p.Thr801Met)

Gene: ARHGEF10 (Rho guanine nucleotide exchange factor 10; plus strand). Cytogenetic location: 8p23.3.
Variant type: single nucleotide variant.
Coding change: c.2402C>T on transcript NM_014629.4 (MANE Select); coding-DNA position 2402, C replaced by T.
Protein change: p.Thr801Met; replaces threonine 801 with methionine.
Molecular consequence: missense variant.
Genome position (GRCh38, 1-based): chr8:1,923,788, C>T. VCF-style: chr8-1923788-C-T. GRCh37 (hg19) VCF-style: chr8-1871954-C-T.
Other names: c.2288C>T, p.Thr763Met (NM_001308152.2); c.2402C>T, p.Thr801Met (NM_001308153.3); short protein forms T801M, T825M, T763M.
Identifiers: ClinVar variation 1912033 (VCV001912033.5), dbSNP rs763605562, ClinGen allele CA4600866.